The following is an entry in ClinVar:

NM_003954.5(MAP3K14):c.1924G>A (p.Val642Met)

Gene: MAP3K14 (mitogen-activated protein kinase kinase kinase 14; minus strand). Cytogenetic location: 17q21.31.
Variant type: single nucleotide variant.
Coding change: c.1924G>A on transcript NM_003954.5 (MANE Select); coding-DNA position 1924, G replaced by A.
Protein change: p.Val642Met; replaces valine 642 with methionine.
Molecular consequence: missense variant.
Genome position (GRCh38, 1-based): chr17:45,270,461, C>T on the plus strand (G>A on the coding strand, the complement: MAP3K14 is on the minus strand). VCF-style: chr17-45270461-C-T. GRCh37 (hg19) VCF-style: chr17-43347828-C-T.
Other names: short protein forms V642M.
Identifiers: ClinVar variation 1489308 (VCV001489308.6), dbSNP rs1428155711, ClinGen allele CA399878672.
Genomic context (GRCh38, chr17:45,270,461, plus strand): 5'-GGCTCTTCCTACCTTGCTGTAGTGCCCGGTTCACCTTCCCTCCCAGCTCCGCTGCAGACA[C>T]GCGGTGGATGGGCTCTTTCCTCAGCCCCTCTTGGATGGCCTGGGCTGTGAGAGGGGCGCA-3'
Protein context (NP_003945.2, residues 632-652): EGLRKEPIHR[Val642Met]SAAELGGKVN

ClinVar aggregate classification (germline): Uncertain significance (1 of 4 stars; one submission).

Conditions:
NIK deficiency. Also called: Primary immunodeficiency with multifaceted aberrant lymphoid immunity. Identifiers: Orphanet 447731, MedGen C5680065, MONDO:0018642.

gnomAD v4.1: 4 of 1,612,262 alleles (0.00025%); highest among the groups gnomAD compares: Non-Finnish European, 0.00017%; no homozygotes.

Submission:

Labcorp Genetics (formerly Invitae), Labcorp
Classification: Uncertain significance for NIK deficiency. Last evaluated: 2022-10-24. Review status: criteria provided, single submitter. Criteria: Invitae Variant Classification Sherloc (09022015). Collection method: clinical testing. Allele origin: germline.
Comment: In summary, the available evidence is currently insufficient to determine the role of this variant in disease. Therefore, it has been classified as a Variant of Uncertain Significance. Experimental studies and prediction algorithms are not available or were not evaluated, and the functional significance of this variant is currently unknown. ClinVar contains an entry for this variant (Variation ID: 1489308). This variant has not been reported in the literature in individuals affected with MAP3K14-related conditions. This variant is not present in population databases (gnomAD no frequency). This sequence change replaces valine, which is neutral and non-polar, with methionine, which is neutral and non-polar, at codon 642 of the MAP3K14 protein (p.Val642Met).